The following is an entry in ClinVar:

NM_001005242.3(PKP2):c.1419_1420insTCAAGAAC (p.Leu474fs)

Gene: PKP2 (plakophilin 2; minus strand). Cytogenetic location: 12p11.21.
Variant type: Insertion.
Coding change: c.1419_1420insTCAAGAAC on transcript NM_001005242.3 (MANE Select); coding-DNA positions 1419 to 1420, TCAAGAAC inserted.
Protein change: p.Leu474fs; shifts the reading frame from leucine 474.
Molecular consequence: frameshift variant.
Genome position: GRCh38 VCF-style: chr12-32841164-G-GGTTCTTGA. GRCh37 (hg19) VCF-style: chr12-32994098-G-GGTTCTTGA.
Other names: c.1551_1552insTCAAGAAC, p.Leu518fs (NM_004572.4, NM_001407157.1); c.1419_1420insTCAAGAAC, p.Leu474fs (NM_001407155.1, NM_001407156.1, NM_001407161.1); c.1092_1093insTCAAGAAC, p.Leu365fs (NM_001407158.1, NM_001407159.1, NM_001407160.1 and 1 more transcripts); short protein forms L474fs, L518fs, L365fs.
Identifiers: ClinVar variation 3649925 (VCV003649925.2).

ClinVar aggregate classification (germline): Pathogenic (1 of 4 stars; one submission).

Conditions:
Arrhythmogenic right ventricular dysplasia 9 (ARVD9). Also called: Arrhythmogenic Right Ventricular Dysplasia/Cardiomyopathy 9; ARRHYTHMOGENIC RIGHT VENTRICULAR DYSPLASIA, FAMILIAL, 9. Identifiers: MedGen C1836906, MONDO:0012180, OMIM 609040.

Submission:

Labcorp Genetics (formerly Invitae), Labcorp
Classification: Pathogenic for Arrhythmogenic right ventricular dysplasia 9. Last evaluated: 2024-04-15. Review status: criteria provided, single submitter. Criteria: Invitae Variant Classification Sherloc (09022015). Collection method: clinical testing. Allele origin: germline.
Comment: This sequence change creates a premature translational stop signal (p.Leu518Serfs*5) in the PKP2 gene. It is expected to result in an absent or disrupted protein product. Loss-of-function variants in PKP2 are known to be pathogenic (PMID: 15489853, 17041889, 23911551). This variant is not present in population databases (gnomAD no frequency). This variant has not been reported in the literature in individuals affected with PKP2-related conditions. For these reasons, this variant has been classified as Pathogenic.

Literature cited by the submitters: PubMed 15489853; PubMed 17041889; PubMed 23911551.